The following is an entry in ClinVar:

ClinVar aggregate classification (germline): Pathogenic. Review status: criteria provided, multiple submitters, no conflicts (2 of 4 stars). 2 submissions from 2 submitters: Pathogenic (2). Last evaluated 2024-04-16.

Conditions:
Hereditary cancer-predisposing syndrome. Also called: Tumor predisposition; Hereditary neoplastic syndrome; Neoplastic Syndromes, Hereditary; Hereditary Cancer Syndrome. Identifiers: Orphanet 140162, MedGen C0027672, MeSH D009386, MONDO:0015356.
Hereditary nonpolyposis colorectal neoplasms. Identifiers: MedGen C0009405, MeSH D003123.

Submissions (2):

Ambry Genetics
Classification: Pathogenic for Hereditary cancer-predisposing syndrome. Last evaluated: 2024-04-16. Review status: criteria provided, single submitter. Criteria: Ambry Variant Classification Scheme 2023. Collection method: clinical testing. Allele origin: germline.
Comment: The c.97delC pathogenic mutation, located in coding exon 1 of the MSH6 gene, results from a deletion of one nucleotide at nucleotide position 97, causing a translational frameshift with a predicted alternate stop codon (p.R33Vfs*48). This variant is considered to be rare based on population cohorts in the Genome Aggregation Database (gnomAD). This alteration is expected to result in loss of function by premature protein truncation or nonsense-mediated mRNA decay. As such, this alteration is interpreted as a disease-causing mutation.

Labcorp Genetics (formerly Invitae), Labcorp
Classification: Pathogenic for Hereditary nonpolyposis colorectal neoplasms. Last evaluated: 2024-03-06. Review status: criteria provided, single submitter. Criteria: Invitae Variant Classification Sherloc (09022015). Collection method: clinical testing. Allele origin: germline.
Comment: This sequence change creates a premature translational stop signal (p.Arg33Valfs*48) in the MSH6 gene. It is expected to result in an absent or disrupted protein product. Loss-of-function variants in MSH6 are known to be pathogenic (PMID: 18269114, 24362816). This variant is not present in population databases (gnomAD no frequency). This variant has not been reported in the literature in individuals affected with MSH6-related conditions. ClinVar contains an entry for this variant (Variation ID: 846087). For these reasons, this variant has been classified as Pathogenic.

Literature cited by the submitters: PubMed 18269114 (cited by Labcorp Genetics (formerly Invitae), Labcorp); PubMed 24362816 (cited by Labcorp Genetics (formerly Invitae), Labcorp).

NM_000179.3(MSH6):c.97del (p.Arg33fs)

Gene: MSH6 (mutS homolog 6; plus strand). Cytogenetic location: 2p16.3.
Variant type: Deletion.
Coding change: c.97del on transcript NM_000179.3 (MANE Select); coding-DNA position 97, one base deleted (C; older notation c.97delC).
Protein change: p.Arg33fs; shifts the reading frame from arginine 33.
Molecular consequence: frameshift variant. On other transcripts: 5 prime UTR variant (1).
Genome position (GRCh38, 1-based): chr2:47,783,330, C deleted; the last of 2 consecutive C bases (chr2:47,783,329-47,783,330); deleting either gives the same sequence. VCF-style (leftmost placement, unchanged base first): chr2-47783328-GC-G. GRCh37 (hg19) VCF-style: chr2-48010467-GC-G.
Other names: c.97delC (NM_000179.2); c.97del, p.Arg33fs (NM_001281492.2); c.-640del (NM_001281493.2); short protein forms R33fs.
Identifiers: ClinVar variation 846087 (VCV000846087.9), dbSNP rs1668118988, ClinGen allele CA916080254.